The following is an entry in ClinVar:

NM_000536.4(RAG2):c.109C>T (p.Pro37Ser)

Gene: RAG2 (recombination activating 2; minus strand). Cytogenetic location: 11p12.
Variant type: single nucleotide variant.
Coding change: c.109C>T on transcript NM_000536.4 (MANE Select); coding-DNA position 109, C replaced by T.
Protein change: p.Pro37Ser; replaces proline 37 with serine.
Molecular consequence: missense variant.
Genome position (GRCh38, 1-based): chr11:36,594,060, G>A on the plus strand (C>T on the coding strand, the complement: RAG2 is on the minus strand). VCF-style: chr11-36594060-G-A. GRCh37 (hg19) VCF-style: chr11-36615610-G-A.
Other names: c.109C>T, p.Pro37Ser (NM_001243785.2, NM_001243786.2); short protein forms P37S.
Identifiers: ClinVar variation 2938353 (VCV002938353.3), dbSNP rs2494799911, ClinGen allele CA380144599.

ClinVar aggregate classification (germline): Uncertain significance (1 of 4 stars; one submission).

Conditions:
Severe combined immunodeficiency, autosomal recessive, T cell-negative, B cell-negative, NK cell-positive. Also called: SCID, AR, T-cell negative, B-cell negative, NK cell-positive; SCID, T CELL-NEGATIVE, B CELL-NEGATIVE, NK CELL-POSITIVE; Severe combined immunodeficiency due to complete RAG1/2 deficiency. Identifiers: Orphanet 331206, MedGen C1832322, MONDO:0011086, OMIM 601457.
Combined immunodeficiency with skin granulomas. Identifiers: Orphanet 157949, MedGen C2673536, MONDO:0009306, OMIM 233650.

Allele frequency attached by ClinVar (database versions not stated): gnomAD exomes below 0.00001.
gnomAD v4.1: 1 of 1,614,036 alleles (0.000062%); highest among the groups gnomAD compares: Non-Finnish European, 0.000085%; no homozygotes.

Submission:

Labcorp Genetics (formerly Invitae), Labcorp
Classification: Uncertain significance for Combined immunodeficiency with skin granulomas; Severe combined immunodeficiency, autosomal recessive, T cell-negative, B cell-negative, NK cell-positive. Last evaluated: 2023-03-04. Review status: criteria provided, single submitter. Criteria: Invitae Variant Classification Sherloc (09022015). Collection method: clinical testing. Allele origin: germline.
Comment: In summary, the available evidence is currently insufficient to determine the role of this variant in disease. Therefore, it has been classified as a Variant of Uncertain Significance. Advanced modeling of protein sequence and biophysical properties (such as structural, functional, and spatial information, amino acid conservation, physicochemical variation, residue mobility, and thermodynamic stability) performed at Invitae indicates that this missense variant is expected to disrupt RAG2 protein function. This variant has not been reported in the literature in individuals affected with RAG2-related conditions. This variant is not present in population databases (gnomAD no frequency). This sequence change replaces proline, which is neutral and non-polar, with serine, which is neutral and polar, at codon 37 of the RAG2 protein (p.Pro37Ser).